The following is an entry in ClinVar:

ClinVar aggregate classification (germline): Likely benign. Review status: criteria provided, single submitter (1 of 4 stars). 2 submissions from 2 submitters: Likely benign (1). 1 of the submissions does not count toward it. Last evaluated 2025-09-24.

Conditions:
PLOD3-related disorder. Also called: PLOD3-related condition.

Allele frequency attached by ClinVar (database versions not stated): gnomAD 0.00004 and 0.00009; TOPMed 0.00006; gnomAD exomes 0.00012 and 0.00021; ExAC 0.00016; 1000 Genomes Project 30x 0.00078; 1000 Genomes Project 0.00100.
gnomAD v4.1: 314 of 1,612,622 alleles (0.019%); highest among the groups gnomAD compares: East Asian, 0.7%; 2 homozygotes.

Submissions (2):

Labcorp Genetics (formerly Invitae), Labcorp
Classification: Likely benign. Last evaluated: 2025-09-24. Review status: criteria provided, single submitter. Criteria: Invitae Variant Classification Sherloc (09022015). Collection method: clinical testing. Allele origin: germline.

PreventionGenetics, part of Exact Sciences
Classification: Likely benign for PLOD3-related condition. Last evaluated: 2024-07-03. Review status: no assertion criteria provided. Collection method: clinical testing. Allele origin: germline. Not counted in ClinVar's aggregate classification.
Comment: This variant is classified as likely benign based on ACMG/AMP sequence variant interpretation guidelines (Richards et al. 2015 PMID: 25741868, with internal and published modifications).

NM_001084.5(PLOD3):c.634C>T (p.Leu212=)

Gene: PLOD3 (procollagen-lysine,2-oxoglutarate 5-dioxygenase 3; minus strand). Cytogenetic location: 7q22.1.
Variant type: single nucleotide variant.
Coding change: c.634C>T on transcript NM_001084.5 (MANE Select); coding-DNA position 634, C replaced by T.
Protein change: p.Leu212=; no amino-acid change (leucine 212 retained).
Molecular consequence: synonymous variant.
Genome position (GRCh38, 1-based): chr7:101,215,134, G>A on the plus strand (C>T on the coding strand, the complement: PLOD3 is on the minus strand). VCF-style: chr7-101215134-G-A. GRCh37 (hg19) VCF-style: chr7-100858415-G-A.
Identifiers: ClinVar variation 717927 (VCV000717927.10), dbSNP rs147726714, ClinGen allele CA4408101.
Genomic context (GRCh38, chr7:101,215,134, plus strand): 5'-TGTCTTCCTCCTCACCTAAAGCCCCGTTGAGGTTCTGAAAGATCCGAGACTTATGATCCA[G>A]ATTAAGGCTGAGTTTCTCCTAAATGGAATGAGATGCGATGGAGTGGTTAAAATGGAAGGA-3'
Protein context (NP_001075.1, residues 202-222): PGLREKLSLN[Leu212=]DHKSRIFQNL